The following is an entry in ClinVar:

NM_001211.6(BUB1B):c.256G>C (p.Glu86Gln)

Gene: BUB1B (BUB1 mitotic checkpoint serine/threonine kinase B; plus strand). Cytogenetic location: 15q15.1.
Variant type: single nucleotide variant.
Coding change: c.256G>C on transcript NM_001211.6 (MANE Select); coding-DNA position 256, G replaced by C.
Protein change: p.Glu86Gln; replaces glutamic acid 86 with glutamine.
Molecular consequence: missense variant.
Genome position (GRCh38, 1-based): chr15:40,170,553, G>C. VCF-style: chr15-40170553-G-C. GRCh37 (hg19) VCF-style: chr15-40462754-G-C.
Other names: short protein forms E86Q.
Identifiers: ClinVar variation 5033500 (VCV005033500.1).

ClinVar aggregate classification (germline): Uncertain significance (1 of 4 stars; one submission).

Conditions:
Inborn genetic diseases. Identifiers: MedGen C0950123, MeSH D030342.

gnomAD v4.1: 2 of 1,613,658 alleles (0.00012%); highest among the groups gnomAD compares: Non-Finnish European, 0.00017%; no homozygotes.

Submission:

Ambry Genetics
Classification: Uncertain significance for Inborn genetic diseases. Last evaluated: 2026-07-27. Review status: criteria provided, single submitter. Criteria: Ambry Variant Classification Scheme 2023. Collection method: clinical testing. Allele origin: germline.
Comment: The p.E86Q variant (also known as c.256G>C), located in coding exon 4 of the BUB1B gene, results from a G to C substitution at nucleotide position 256. The glutamic acid at codon 86 is replaced by glutamine, an amino acid with highly similar properties. This amino acid position is conserved. In addition, the in silico prediction for this alteration is inconclusive. Based on the available evidence, the clinical significance of this variant remains unclear.